The following is an entry in ClinVar:

ClinVar aggregate classification (germline): Uncertain significance (1 of 4 stars; one submission).

gnomAD v4.1: 4 of 1,612,724 alleles (0.00025%); highest among the groups gnomAD compares: Non-Finnish European, 0.00034%; no homozygotes.

Submission:

Labcorp Genetics (formerly Invitae), Labcorp
Classification: Uncertain significance. Last evaluated: 2025-12-15. Review status: criteria provided, single submitter. Criteria: Invitae Variant Classification Sherloc (09022015). Collection method: clinical testing. Allele origin: germline.
Comment: This sequence change replaces glycine, which is neutral and non-polar, with serine, which is neutral and polar, at codon 27 of the NOG protein (p.Gly27Ser). The frequency data for this variant in the population databases is considered unreliable, as metrics indicate poor data quality at this position in the gnomAD database. This variant has not been reported in the literature in individuals affected with NOG-related conditions. An algorithm developed to predict the effect of missense changes on protein structure and function (PolyPhen-2) suggests that this variant is likely to be tolerated. In summary, the available evidence is currently insufficient to determine the role of this variant in disease. Therefore, it has been classified as a Variant of Uncertain Significance.

NM_005450.6(NOG):c.79G>A (p.Gly27Ser)

Gene: NOG (noggin; plus strand). Cytogenetic location: 17q22.
Variant type: single nucleotide variant.
Coding change: c.79G>A on transcript NM_005450.6 (MANE Select); coding-DNA position 79, G replaced by A.
Protein change: p.Gly27Ser; replaces glycine 27 with serine.
Molecular consequence: missense variant.
Genome position (GRCh38, 1-based): chr17:56,594,302, G>A. VCF-style: chr17-56594302-G-A. GRCh37 (hg19) VCF-style: chr17-54671663-G-A.
Other names: short protein forms G27S.
Identifiers: ClinVar variation 4754058 (VCV004754058.1).